The following is an entry in ClinVar:

NM_020937.4(FANCM):c.2126A>T (p.Gln709Leu)

Gene: FANCM (FA complementation group M; plus strand). Cytogenetic location: 14q21.2.
Variant type: single nucleotide variant.
Coding change: c.2126A>T on transcript NM_020937.4 (MANE Select); coding-DNA position 2126, A replaced by T.
Protein change: p.Gln709Leu; replaces glutamine 709 with leucine.
Molecular consequence: missense variant.
Genome position (GRCh38, 1-based): chr14:45,170,712, A>T. VCF-style: chr14-45170712-A-T. GRCh37 (hg19) VCF-style: chr14-45639915-A-T.
Other names: c.2048A>T, p.Gln683Leu (NM_001308133.2); short protein forms Q683L, Q709L.
Identifiers: ClinVar variation 3848617 (VCV003848617.1).
Genomic context (GRCh38, chr14:45,170,712, plus strand): 5'-ACAGACTTTATAGATTAAGGGACAGTGATGAAATTAAAGAGATAACATTGCCTCAAGTTC[A>T]GTTTTCTTCTTTACAAAATGAGGAAAACAAACCAGTAAGTTGAATATATTTTCAGATGTT-3'
Protein context (NP_065988.1, residues 699-719): EIKEITLPQV[Gln709Leu]FSSLQNEENK

ClinVar aggregate classification (germline): Uncertain significance (1 of 4 stars; one submission).

Conditions:
Inborn genetic diseases. Identifiers: MedGen C0950123, MeSH D030342.

gnomAD v4.1: 1 of 1,611,862 alleles (0.000062%); highest among the groups gnomAD compares: Non-Finnish European, 0.000085%; no homozygotes.

Submission:

Ambry Genetics
Classification: Uncertain significance for Inborn genetic diseases. Last evaluated: 2025-01-13. Review status: criteria provided, single submitter. Criteria: Ambry Variant Classification Scheme 2023. Collection method: clinical testing. Allele origin: germline.
Comment: The p.Q709L variant (also known as c.2126A>T), located in coding exon 12 of the FANCM gene, results from an A to T substitution at nucleotide position 2126. The glutamine at codon 709 is replaced by leucine, an amino acid with dissimilar properties. This amino acid position is conserved. In addition, this alteration is predicted to be tolerated by in silico analysis. Based on the available evidence, the clinical significance of this variant remains unclear.